The following is an entry in ClinVar:

NM_001195263.2(PDZD7):c.1673G>A (p.Arg558Gln)

Gene: PDZD7 (PDZ domain containing 7; minus strand). Cytogenetic location: 10q24.31.
Variant type: single nucleotide variant.
Coding change: c.1673G>A on transcript NM_001195263.2 (MANE Select); coding-DNA position 1673, G replaced by A.
Protein change: p.Arg558Gln; replaces arginine 558 with glutamine.
Molecular consequence: missense variant.
Genome position (GRCh38, 1-based): chr10:101,015,712, C>T on the plus strand (G>A on the coding strand, the complement: PDZD7 is on the minus strand). VCF-style: chr10-101015712-C-T. GRCh37 (hg19) VCF-style: chr10-102775469-C-T.
Other names: short protein forms R558Q.
Identifiers: ClinVar variation 942682 (VCV000942682.7), dbSNP rs901875344, ClinGen allele CA212981946.
Genomic context (GRCh38, chr10:101,015,712, plus strand): 5'-GTGACAGCCAGCACCTCGTCATCAGTCAGCAGCCTCTGGGCCAGGTCCTGAATGAGGGGC[C>T]GCCGGCTCTCCCAGGCCTGAACCTGCTCATCCACATTAGGCAGCTGGCTGGAGGGACTCC-3'
Protein context (NP_001182192.1, residues 548-568): DEQVQAWESR[Arg558Gln]PLIQDLAQRL

ClinVar aggregate classification (germline): Uncertain significance. Review status: criteria provided, multiple submitters, no conflicts (2 of 4 stars). 2 submissions from 2 submitters: Uncertain significance (2). Last evaluated 2026-08-05.

Conditions:
PDZD7-related disorder. Also called: PDZD7-related disorders; PDZD7-related condition.

Allele frequency attached by ClinVar (database versions not stated): gnomAD exomes 0.00006 and 0.00007; gnomAD 0.00007; TOPMed 0.00009.
gnomAD v4.1: 112 of 1,550,208 alleles (0.0072%); highest among the groups gnomAD compares: Middle Eastern, 0.017%; no homozygotes.

Submissions (2):

PreventionGenetics, part of Exact Sciences
Classification: Uncertain significance for PDZD7-related condition. Last evaluated: 2026-08-05. Review status: criteria provided, single submitter. Criteria: ACMG Guidelines, 2015. Collection method: clinical testing. Allele origin: germline.
Comment: The PDZD7 c.1673G>A variant is predicted to result in the amino acid substitution p.Arg558Gln. To our knowledge, this variant has not been reported in the literature. This variant is reported in 0.011% of alleles in individuals of European (Non-Finnish) descent in gnomAD. At this time, the clinical significance of this variant is uncertain due to the absence of conclusive functional and genetic evidence.

Labcorp Genetics (formerly Invitae), Labcorp
Classification: Uncertain significance. Last evaluated: 2024-10-22. Review status: criteria provided, single submitter. Criteria: Invitae Variant Classification Sherloc (09022015). Collection method: clinical testing. Allele origin: germline.
Comment: This sequence change replaces arginine, which is basic and polar, with glutamine, which is neutral and polar, at codon 558 of the PDZD7 protein (p.Arg558Gln). This variant is present in population databases (no rsID available, gnomAD 0.02%). This variant has not been reported in the literature in individuals affected with PDZD7-related conditions. ClinVar contains an entry for this variant (Variation ID: 942682). Invitae Evidence Modeling of protein sequence and biophysical properties (such as structural, functional, and spatial information, amino acid conservation, physicochemical variation, residue mobility, and thermodynamic stability) indicates that this missense variant is not expected to disrupt PDZD7 protein function with a negative predictive value of 80%. In summary, the available evidence is currently insufficient to determine the role of this variant in disease. Therefore, it has been classified as a Variant of Uncertain Significance.